The following is an entry in ClinVar:

ClinVar aggregate classification (germline): Uncertain significance (0 of 4 stars; one submission).

Conditions:
BAZ1A-related disorder. Also called: BAZ1A-related condition.

Submission:

PreventionGenetics, part of Exact Sciences
Classification: Uncertain significance for BAZ1A-related condition. Last evaluated: 2024-05-09. Review status: no assertion criteria provided. Collection method: clinical testing. Allele origin: germline.
Comment: The BAZ1A c.4307C>T variant is predicted to result in the amino acid substitution p.Ser1436Phe. To our knowledge, this variant has not been reported in the literature or in a large population database, indicating this variant is rare. At this time, the clinical significance of this variant is uncertain due to the absence of conclusive functional and genetic evidence.

NM_013448.3(BAZ1A):c.4307C>T (p.Ser1436Phe)

Gene: BAZ1A (bromodomain adjacent to zinc finger domain 1A; minus strand). Cytogenetic location: 14q13.1.
Variant type: single nucleotide variant.
Coding change: c.4307C>T on transcript NM_013448.3 (MANE Select); coding-DNA position 4307, C replaced by T.
Protein change: p.Ser1436Phe; replaces serine 1436 with phenylalanine.
Molecular consequence: missense variant.
Genome position (GRCh38, 1-based): chr14:34,758,783, G>A on the plus strand (C>T on the coding strand, the complement: BAZ1A is on the minus strand). VCF-style: chr14-34758783-G-A. GRCh37 (hg19) VCF-style: chr14-35227989-G-A.
Other names: c.4211C>T, p.Ser1404Phe (NM_182648.2); short protein forms S1404F, S1436F.
Identifiers: ClinVar variation 3346233 (VCV003346233.1).